The following is an entry in ClinVar:

NM_002230.4(JUP):c.148G>A (p.Gly50Arg)

Gene: JUP (junction plakoglobin; minus strand). Cytogenetic location: 17q21.2.
Variant type: single nucleotide variant.
Coding change: c.148G>A on transcript NM_002230.4 (MANE Select); coding-DNA position 148, G replaced by A.
Protein change: p.Gly50Arg; replaces glycine 50 with arginine.
Molecular consequence: missense variant.
Genome position (GRCh38, 1-based): chr17:41,771,707, C>T on the plus strand (G>A on the coding strand, the complement: JUP is on the minus strand). VCF-style: chr17-41771707-C-T. GRCh37 (hg19) VCF-style: chr17-39927959-C-T.
Other names: c.148G>A, p.Gly50Arg (NM_001352773.2, NM_001352774.2, NM_001352775.2 and 3 more transcripts); short protein forms G50R.
Identifiers: ClinVar variation 664417 (VCV000664417.10), dbSNP rs374008304, ClinGen allele CA8565574.
Genomic context (GRCh38, chr17:41,771,707, plus strand): 5'-CTTGGCTGGGGGGCACCCCCTGGGTGTAAGTGGTGGTTTTCTTGAGCGTGTACTGGCGCC[C>T]GCAGGCCTCATCCTCCTCCATGATGCCCTTGCTGCTGACGGAGGGCACGCAGGTGTTGGC-3'
Protein context (NP_002221.1, residues 40-60): KGIMEEDEAC[Gly50Arg]RQYTLKKTTT

ClinVar aggregate classification (germline): Uncertain significance. Review status: criteria provided, multiple submitters, no conflicts (2 of 4 stars). 3 submissions from 3 submitters: Uncertain significance (3). Last evaluated 2025-01-27.

Conditions:
Cardiovascular phenotype. Identifiers: MedGen CN230736.
Arrhythmogenic right ventricular dysplasia 12. Also called: ARRHYTHMOGENIC RIGHT VENTRICULAR DYSPLASIA, FAMILIAL, 12. Identifiers: MedGen C1969081, MONDO:0012684, OMIM 611528.
Naxos disease (NXD). Also called: PALMOPLANTAR KERATODERMA WITH ARRHYTHMOGENIC RIGHT VENTRICULAR CARDIOMYOPATHY AND WOOLLY HAIR; CARDIOMYOPATHY, ARRHYTHMOGENIC RIGHT VENTRICULAR, WITH SKIN, HAIR, AND NAIL ABNORMALITIES; WOOLLY HAIR, PALMOPLANTAR KERATODERMA, AND CARDIAC ABNORMALITIES; KERATOSIS PALMOPLANTARIS WITH ARRHYTHMOGENIC CARDIOMYOPATHY; MAL DE NAXOS. Identifiers: Orphanet 34217, MedGen C1832600, MONDO:0011017, OMIM 601214.

Allele frequency attached by ClinVar (database versions not stated): ExAC 0.00001; gnomAD exomes 0.00001; gnomAD 0.00002; TOPMed 0.00003; ESP Exome Variant Server 0.00008.
gnomAD v4.1: 13 of 1,614,034 alleles (0.00081%); highest among the groups gnomAD compares: Admixed American, 0.005%; no homozygotes.

Submissions (3):

Labcorp Genetics (formerly Invitae), Labcorp
Classification: Uncertain significance for Arrhythmogenic right ventricular dysplasia 12; Naxos disease. Last evaluated: 2025-01-27. Review status: criteria provided, single submitter. Criteria: Invitae Variant Classification Sherloc (09022015). Collection method: clinical testing. Allele origin: germline.
Comment: This sequence change replaces glycine, which is neutral and non-polar, with arginine, which is basic and polar, at codon 50 of the JUP protein (p.Gly50Arg). This variant is present in population databases (rs374008304, gnomAD 0.0009%). This missense change has been observed in individual(s) with arrhythmogenic cardiomyopathy (PMID: 24704780). ClinVar contains an entry for this variant (Variation ID: 664417). An algorithm developed to predict the effect of missense changes on protein structure and function (PolyPhen-2) suggests that this variant is likely to be tolerated. In summary, the available evidence is currently insufficient to determine the role of this variant in disease. Therefore, it has been classified as a Variant of Uncertain Significance.

Ambry Genetics
Classification: Uncertain significance for Cardiovascular phenotype. Last evaluated: 2023-10-24. Review status: criteria provided, single submitter. Criteria: Ambry Variant Classification Scheme 2023. Collection method: clinical testing. Allele origin: germline.
Comment: The p.G50R variant (also known as c.148G>A), located in coding exon 1 of the JUP gene, results from a G to A substitution at nucleotide position 148. The glycine at codon 50 is replaced by arginine, an amino acid with dissimilar properties. This alteration was reported in an arrhythmogenic cardiomyopathy cohort (Rasmussen TB et al. Circ Cardiovasc Genet, 2014 Jun;7:230-40). This amino acid position is not well conserved in available vertebrate species. In addition, this alteration is predicted to be tolerated by in silico analysis. Since supporting evidence is limited at this time, the clinical significance of this alteration remains unclear.

Fulgent Genetics
Classification: Uncertain significance for Naxos disease; Arrhythmogenic right ventricular dysplasia 12. Last evaluated: 2021-09-15. Review status: criteria provided, single submitter. Criteria: ACMG Guidelines, 2015. Collection method: clinical testing. Allele origin: unknown.

Literature cited by the submitters: PubMed 24704780 (cited by Labcorp Genetics (formerly Invitae), Labcorp and Ambry Genetics).